The following is an entry in ClinVar:

NM_032444.4(SLX4):c.4615C>T (p.Pro1539Ser)

Gene: SLX4 (SLX4 structure-specific endonuclease subunit; minus strand). Cytogenetic location: 16p13.3.
Variant type: single nucleotide variant.
Coding change: c.4615C>T on transcript NM_032444.4 (MANE Select); coding-DNA position 4615, C replaced by T.
Protein change: p.Pro1539Ser; replaces proline 1539 with serine.
Molecular consequence: missense variant.
Genome position (GRCh38, 1-based): chr16:3,589,023, G>A on the plus strand (C>T on the coding strand, the complement: SLX4 is on the minus strand). VCF-style: chr16-3589023-G-A. GRCh37 (hg19) VCF-style: chr16-3639024-G-A.
Other names: short protein forms P1539S.
Identifiers: ClinVar variation 2155496 (VCV002155496.4), dbSNP rs766933013, ClinGen allele CA7865584.

ClinVar aggregate classification (germline): Uncertain significance. Review status: criteria provided, multiple submitters, no conflicts (2 of 4 stars). 3 submissions from 3 submitters: Uncertain significance (3). Last evaluated 2025-05-05.

Conditions:
Fanconi anemia complementation group P. Also called: SLX4-Related Fanconi Anemia. Identifiers: Orphanet 84, MedGen C3469542, MONDO:0013499, OMIM 613951.
Fanconi anemia (FA). Also called: Fanconi's anemia. Identifiers: Orphanet 84, MedGen C0015625, MeSH D005199, MONDO:0019391.

Allele frequency attached by ClinVar (database versions not stated): gnomAD exomes below 0.00001; ExAC 0.00001; gnomAD 0.00003; TOPMed 0.00003.
gnomAD v4.1: 8 of 1,613,970 alleles (0.0005%); highest among the groups gnomAD compares: African/African-American, 0.0093%; no homozygotes.

Submissions (3):

GeneDx
Classification: Uncertain significance. Last evaluated: 2025-05-05. Review status: criteria provided, single submitter. Criteria: GeneDx Variant Classification Process June 2021. Collection method: clinical testing. Allele origin: germline. Affected: yes.
Comment: In silico analysis suggests that this missense variant does not alter protein structure/function; Has not been previously published as pathogenic or benign to our knowledge

Fulgent Genetics
Classification: Uncertain significance for Fanconi anemia complementation group P. Last evaluated: 2024-03-25. Review status: criteria provided, single submitter. Criteria: ACMG Guidelines, 2015. Collection method: clinical testing. Allele origin: germline.

Labcorp Genetics (formerly Invitae), Labcorp
Classification: Uncertain significance for Fanconi anemia. Last evaluated: 2022-09-07. Review status: criteria provided, single submitter. Criteria: Invitae Variant Classification Sherloc (09022015). Collection method: clinical testing. Allele origin: germline.
Comment: In summary, the available evidence is currently insufficient to determine the role of this variant in disease. Therefore, it has been classified as a Variant of Uncertain Significance. Algorithms developed to predict the effect of missense changes on protein structure and function output the following: SIFT: "Tolerated"; PolyPhen-2: "Benign"; Align-GVGD: "Class C0". The serine amino acid residue is found in multiple mammalian species, which suggests that this missense change does not adversely affect protein function. This variant has not been reported in the literature in individuals affected with SLX4-related conditions. This variant is present in population databases (rs766933013, gnomAD 0.008%). This sequence change replaces proline, which is neutral and non-polar, with serine, which is neutral and polar, at codon 1539 of the SLX4 protein (p.Pro1539Ser).